The following is an entry in ClinVar:

NM_020937.4(FANCM):c.751G>T (p.Asp251Tyr)

Gene: FANCM (FA complementation group M; plus strand). Cytogenetic location: 14q21.2.
Variant type: single nucleotide variant.
Coding change: c.751G>T on transcript NM_020937.4 (MANE Select); coding-DNA position 751, G replaced by T.
Protein change: p.Asp251Tyr; replaces aspartic acid 251 with tyrosine.
Molecular consequence: missense variant. On other transcripts: intron variant (1).
Genome position (GRCh38, 1-based): chr14:45,140,701, G>T. VCF-style: chr14-45140701-G-T. GRCh37 (hg19) VCF-style: chr14-45609904-G-T.
Other names: c.681+3460G>T (NM_001308133.2); c.751G>T, p.Asp251Tyr (NM_001308134.2); short protein forms D251Y.
Identifiers: ClinVar variation 3708104 (VCV003708104.3).

ClinVar aggregate classification (germline): Uncertain significance. Review status: criteria provided, multiple submitters, no conflicts (2 of 4 stars). 2 submissions from 2 submitters: Uncertain significance (2). Last evaluated 2025-10-27.

Conditions:
Inborn genetic diseases. Identifiers: MedGen C0950123, MeSH D030342.
Fanconi anemia (FA). Also called: Fanconi's anemia. Identifiers: Orphanet 84, MedGen C0015625, MeSH D005199, MONDO:0019391.

Submissions (2):

Ambry Genetics
Classification: Uncertain significance for Inborn genetic diseases. Last evaluated: 2025-10-27. Review status: criteria provided, single submitter. Criteria: Ambry Variant Classification Scheme 2023. Collection method: clinical testing. Allele origin: germline.
Comment: The p.D251Y variant (also known as c.751G>T), located in coding exon 3 of the FANCM gene, results from a G to T substitution at nucleotide position 751. The aspartic acid at codon 251 is replaced by tyrosine, an amino acid with highly dissimilar properties. This amino acid position is conserved. In addition, the in silico prediction for this alteration is inconclusive. Based on the available evidence, the clinical significance of this variant remains unclear.

Labcorp Genetics (formerly Invitae), Labcorp
Classification: Uncertain significance for Fanconi anemia. Last evaluated: 2024-12-21. Review status: criteria provided, single submitter. Criteria: Invitae Variant Classification Sherloc (09022015). Collection method: clinical testing. Allele origin: germline.
Comment: This sequence change replaces aspartic acid, which is acidic and polar, with tyrosine, which is neutral and polar, at codon 251 of the FANCM protein (p.Asp251Tyr). This variant is not present in population databases (gnomAD no frequency). This variant has not been reported in the literature in individuals affected with FANCM-related conditions. An algorithm developed to predict the effect of missense changes on protein structure and function (PolyPhen-2) suggests that this variant is likely to be disruptive. In summary, the available evidence is currently insufficient to determine the role of this variant in disease. Therefore, it has been classified as a Variant of Uncertain Significance.